The following is an entry in ClinVar:

NM_000718.4(CACNA1B):c.1415G>A (p.Arg472Gln)

Gene: CACNA1B (calcium voltage-gated channel subunit alpha1 B; plus strand). Cytogenetic location: 9q34.3.
Variant type: single nucleotide variant.
Coding change: c.1415G>A on transcript NM_000718.4 (MANE Select); coding-DNA position 1415, G replaced by A.
Protein change: p.Arg472Gln; replaces arginine 472 with glutamine.
Molecular consequence: missense variant.
Genome position (GRCh38, 1-based): chr9:137,971,464, G>A. VCF-style: chr9-137971464-G-A. GRCh37 (hg19) VCF-style: chr9-140865916-G-A.
Other names: c.1415G>A, p.Arg472Gln (NM_001243812.2); short protein forms R472Q.
Identifiers: ClinVar variation 1950856 (VCV001950856.2), dbSNP rs375224405, ClinGen allele CA5376165.

ClinVar aggregate classification (germline): Uncertain significance (1 of 4 stars; one submission).

Allele frequency attached by ClinVar (database versions not stated): gnomAD exomes below 0.00001; ExAC 0.00002; ESP Exome Variant Server 0.00008.
gnomAD v4.1: 5 of 1,613,588 alleles (0.00031%); highest among the groups gnomAD compares: Non-Finnish European, 0.00034%; no homozygotes.

Submission:

Labcorp Genetics (formerly Invitae), Labcorp
Classification: Uncertain significance. Last evaluated: 2022-07-01. Review status: criteria provided, single submitter. Criteria: Invitae Variant Classification Sherloc (09022015). Collection method: clinical testing. Allele origin: germline.
Comment: This sequence change replaces arginine, which is basic and polar, with glutamine, which is neutral and polar, at codon 472 of the CACNA1B protein (p.Arg472Gln). This variant is present in population databases (rs375224405, gnomAD 0.002%). This variant has not been reported in the literature in individuals affected with CACNA1B-related conditions. Advanced modeling of protein sequence and biophysical properties (such as structural, functional, and spatial information, amino acid conservation, physicochemical variation, residue mobility, and thermodynamic stability) performed at Invitae indicates that this missense variant is expected to disrupt CACNA1B protein function. In summary, the available evidence is currently insufficient to determine the role of this variant in disease. Therefore, it has been classified as a Variant of Uncertain Significance.